The following is an entry in ClinVar:

ClinVar aggregate classification (germline): Likely pathogenic (1 of 4 stars; one submission).

Conditions:
Hearing impairment. Also called: Impaired Hearing. Identifiers: MedGen C1384666, MONDO:0005365, HP:0000365.

Submission:

Department of Otolaryngology – Head & Neck Surgery, Cochlear Implant Center
Classification: Likely pathogenic for Hearing impairment. Last evaluated: 2021-04-12. Review status: criteria provided, single submitter. Criteria: ClinGen HL ACMG Specifications v1. Collection method: clinical testing. Allele origin: germline. Affected: yes.
Comment: PVS1_Strong, PM2_Moderate

NM_001002295.2(GATA3):c.153dup (p.Asn52Ter)

Gene: GATA3 (GATA binding protein 3; plus strand). Cytogenetic location: 10p14.
Variant type: Duplication.
Coding change: c.153dup on transcript NM_001002295.2 (MANE Select); coding-DNA position 153, one base duplicated (T; older notation c.153dupT).
Protein change: p.Asn52Ter; replaces asparagine 52 with a stop codon.
Molecular consequence: nonsense.
Genome position (GRCh38, 1-based): chr10:8,055,808, T duplicated; the last of 5 consecutive T bases (chr10:8,055,804-8,055,808); duplicating any one gives the same sequence. VCF-style (leftmost placement, unchanged base first): chr10-8055803-C-CT. GRCh37 (hg19) VCF-style: chr10-8097766-C-CT.
Other names: c.153dup, p.Asn52Ter (NM_002051.3); short protein forms N52*.
Identifiers: ClinVar variation 1064935 (VCV001064935.3), dbSNP rs2131482893, ClinGen allele CA2499220401.